The following is an entry in ClinVar:

NM_000166.6(GJB1):c.414C>G (p.Ser138Arg)

Gene: GJB1 (gap junction protein beta 1; plus strand). Cytogenetic location: Xq13.1.
Variant type: single nucleotide variant.
Coding change: c.414C>G on transcript NM_000166.6 (MANE Select); coding-DNA position 414, C replaced by G.
Protein change: p.Ser138Arg; replaces serine 138 with arginine.
Molecular consequence: missense variant.
Genome position (GRCh38, 1-based): chrX:71,224,121, C>G. VCF-style: chrX-71224121-C-G. GRCh37 (hg19) VCF-style: chrX-70443971-C-G.
Other names: c.414C>G, p.Ser138Arg (NM_001097642.3); short protein forms S138R.
Identifiers: ClinVar variation 3724265 (VCV003724265.2).

ClinVar aggregate classification (germline): Likely pathogenic (1 of 4 stars; one submission).

Conditions:
Charcot-Marie-Tooth Neuropathy X. Identifiers: MedGen CN118851.

Submission:

Labcorp Genetics (formerly Invitae), Labcorp
Classification: Likely pathogenic for Charcot-Marie-Tooth Neuropathy X. Last evaluated: 2024-09-05. Review status: criteria provided, single submitter. Criteria: Invitae Variant Classification Sherloc (09022015). Collection method: clinical testing. Allele origin: germline.
Comment: This sequence change replaces serine, which is neutral and polar, with arginine, which is basic and polar, at codon 138 of the GJB1 protein (p.Ser138Arg). This variant is not present in population databases (gnomAD no frequency). This missense change has been observed in individuals with clinical features of Charcot-Marie-Tooth disease (PMID: 28448691; internal data). Invitae Evidence Modeling of protein sequence and biophysical properties (such as structural, functional, and spatial information, amino acid conservation, physicochemical variation, residue mobility, and thermodynamic stability) indicates that this missense variant is expected to disrupt GJB1 protein function with a positive predictive value of 80%. This variant disrupts the p.Ser138 amino acid residue in GJB1. Other variant(s) that disrupt this residue have been determined to be pathogenic (PMID: 21692908; internal data). This suggests that this residue is clinically significant, and that variants that disrupt this residue are likely to be disease-causing. In summary, the currently available evidence indicates that the variant is pathogenic, but additional data are needed to prove that conclusively. Therefore, this variant has been classified as Likely Pathogenic.

Literature cited by the submitters: PubMed 28448691; PubMed 21692908.